The following is an entry in ClinVar:

ClinVar aggregate classification (germline): Uncertain significance. Review status: criteria provided, multiple submitters, no conflicts (2 of 4 stars). 3 submissions from 3 submitters: Uncertain significance (3). Last evaluated 2025-09-24.

Conditions:
Alstrom syndrome (ALMS). Identifiers: Orphanet 64, MedGen C0268425, MONDO:0008763, OMIM 203800.

Allele frequency attached by ClinVar (database versions not stated): TOPMed below 0.00001; ExAC 0.00001; gnomAD 0.00001; gnomAD exomes 0.00001.
gnomAD v4.1: 16 of 1,614,004 alleles (0.00099%); highest among the groups gnomAD compares: Non-Finnish European, 0.0014%; 1 homozygote.

Submissions (3):

Labcorp Genetics (formerly Invitae), Labcorp
Classification: Uncertain significance for Alstrom syndrome. Last evaluated: 2025-09-24. Review status: criteria provided, single submitter. Criteria: Invitae Variant Classification Sherloc (09022015). Collection method: clinical testing. Allele origin: germline.
Comment: This sequence change replaces glutamic acid, which is acidic and polar, with glycine, which is neutral and non-polar, at codon 3358 of the ALMS1 protein (p.Glu3358Gly). This variant is present in population databases (rs776497929, gnomAD 0.002%). This variant has not been reported in the literature in individuals affected with ALMS1-related conditions. ClinVar contains an entry for this variant (Variation ID: 1438544). Experimental studies and prediction algorithms are not available or were not evaluated, and the functional significance of this variant is currently unknown. In summary, the available evidence is currently insufficient to determine the role of this variant in disease. Therefore, it has been classified as a Variant of Uncertain Significance.

GeneDx
Classification: Uncertain significance. Last evaluated: 2025-02-26. Review status: criteria provided, single submitter. Criteria: GeneDx Variant Classification Process June 2021. Collection method: clinical testing. Allele origin: germline. Affected: yes.
Comment: Not observed at significant frequency in large population cohorts (gnomAD); In silico analysis indicates that this missense variant does not alter protein structure/function; Has not been previously published as pathogenic or benign to our knowledge

Fulgent Genetics
Classification: Uncertain significance for Alstrom syndrome. Last evaluated: 2022-03-11. Review status: criteria provided, single submitter. Criteria: ACMG Guidelines, 2015. Collection method: clinical testing. Allele origin: unknown.

NM_001378454.1(ALMS1):c.10070A>G (p.Glu3357Gly)

Gene: ALMS1 (ALMS1 centrosome and basal body associated protein; plus strand). Cytogenetic location: 2p13.1.
Variant type: single nucleotide variant.
Coding change: c.10070A>G on transcript NM_001378454.1 (MANE Select); coding-DNA position 10070, A replaced by G.
Protein change: p.Glu3357Gly; replaces glutamic acid 3357 with glycine.
Molecular consequence: missense variant.
Genome position (GRCh38, 1-based): chr2:73,550,429, A>G. VCF-style: chr2-73550429-A-G. GRCh37 (hg19) VCF-style: chr2-73777556-A-G.
Other names: c.10073A>G, p.Glu3358Gly (NM_015120.4); short protein forms E3358G, E3357G.
Identifiers: ClinVar variation 1438544 (VCV001438544.8), dbSNP rs776497929, ClinGen allele CA1714858.